The following is an entry in ClinVar:

NM_182493.3(MYLK3):c.1302C>G (p.Asp434Glu)

Gene: MYLK3 (myosin light chain kinase 3; minus strand). Cytogenetic location: 16q11.2.
Variant type: single nucleotide variant.
Coding change: c.1302C>G on transcript NM_182493.3 (MANE Select); coding-DNA position 1302, C replaced by G.
Protein change: p.Asp434Glu; replaces aspartic acid 434 with glutamic acid.
Molecular consequence: missense variant.
Genome position (GRCh38, 1-based): chr16:46,732,368, G>C on the plus strand (C>G on the coding strand, the complement: MYLK3 is on the minus strand). VCF-style: chr16-46732368-G-C. GRCh37 (hg19) VCF-style: chr16-46766280-G-C.
Other names: c.279C>G, p.Asp93Glu (NM_001308301.1); short protein forms D434E, D93E.
Identifiers: ClinVar variation 1960943 (VCV001960943.5), dbSNP rs202183804, ClinGen allele CA280230152.

ClinVar aggregate classification (germline): Uncertain significance (1 of 4 stars; one submission).

gnomAD v4.1: 7 of 1,613,548 alleles (0.00043%); highest among the groups gnomAD compares: African/African-American, 0.0093%; no homozygotes.

Submission:

Labcorp Genetics (formerly Invitae), Labcorp
Classification: Uncertain significance. Last evaluated: 2022-08-09. Review status: criteria provided, single submitter. Criteria: Invitae Variant Classification Sherloc (09022015). Collection method: clinical testing. Allele origin: germline.
Comment: This variant has not been reported in the literature in individuals affected with MYLK3-related conditions. Algorithms developed to predict the effect of missense changes on protein structure and function (SIFT, PolyPhen-2, Align-GVGD) all suggest that this variant is likely to be tolerated. In summary, the available evidence is currently insufficient to determine the role of this variant in disease. Therefore, it has been classified as a Variant of Uncertain Significance. This sequence change replaces aspartic acid, which is acidic and polar, with glutamic acid, which is acidic and polar, at codon 434 of the MYLK3 protein (p.Asp434Glu). This variant is not present in population databases (gnomAD no frequency).